The following is an entry in ClinVar:

NM_024741.3(ZNF408):c.1346G>A (p.Arg449Gln)

Gene: ZNF408 (zinc finger protein 408; plus strand). Cytogenetic location: 11p11.2.
Variant type: single nucleotide variant.
Coding change: c.1346G>A on transcript NM_024741.3 (MANE Select); coding-DNA position 1346, G replaced by A.
Protein change: p.Arg449Gln; replaces arginine 449 with glutamine.
Molecular consequence: missense variant.
Genome position (GRCh38, 1-based): chr11:46,705,046, G>A. VCF-style: chr11-46705046-G-A. GRCh37 (hg19) VCF-style: chr11-46726596-G-A.
Other names: c.1322G>A, p.Arg441Gln (NM_001184751.2); c.1346G>A (NM_024741.2); short protein forms R449Q, R441Q.
Identifiers: ClinVar variation 1378636 (VCV001378636.9), dbSNP rs376401300, ClinGen allele CA5966548.

ClinVar aggregate classification (germline): Uncertain significance. Review status: criteria provided, multiple submitters, no conflicts (2 of 4 stars). 4 submissions from 4 submitters: Uncertain significance (3). 1 of the submissions does not count toward it. Last evaluated 2025-09-02.

Conditions:
Inborn genetic diseases. Identifiers: MedGen C0950123, MeSH D030342.
Retinal dystrophy. Also called: Inherited retinal dystrophy. Identifiers: Orphanet 71862, MedGen C0854723, MeSH D058499, MONDO:0019118, HP:0000556.

Allele frequency attached by ClinVar (database versions not stated): gnomAD exomes 0.00002 and 0.00003; ExAC 0.00004; TOPMed 0.00005; gnomAD 0.00007 and 0.00008; ESP Exome Variant Server 0.00008.

Submissions (4):

Labcorp Genetics (formerly Invitae), Labcorp
Classification: Uncertain significance. Last evaluated: 2025-09-02. Review status: criteria provided, single submitter. Criteria: Invitae Variant Classification Sherloc (09022015). Collection method: clinical testing. Allele origin: germline.
Comment: This sequence change replaces arginine, which is basic and polar, with glutamine, which is neutral and polar, at codon 449 of the ZNF408 protein (p.Arg449Gln). This variant is present in population databases (rs376401300, gnomAD 0.01%). This variant has not been reported in the literature in individuals affected with ZNF408-related conditions. ClinVar contains an entry for this variant (Variation ID: 1378636). An algorithm developed to predict the effect of missense changes on protein structure and function (PolyPhen-2) suggests that this variant is likely to be disruptive. In summary, the available evidence is currently insufficient to determine the role of this variant in disease. Therefore, it has been classified as a Variant of Uncertain Significance.

Blueprint Genetics
Classification: Uncertain significance. Last evaluated: 2024-02-13. Review status: criteria provided, single submitter. Criteria: ACMG Guidelines, 2015. Collection method: clinical testing. Allele origin: germline.

Ambry Genetics
Classification: Uncertain significance for Inborn genetic diseases. Last evaluated: 2023-11-13. Review status: criteria provided, single submitter. Criteria: Ambry Variant Classification Scheme 2023. Collection method: clinical testing. Allele origin: germline.

Institute of Human Genetics, Univ. Regensburg, Univ. Regensburg
Classification: Uncertain significance for Retinal dystrophy. Last evaluated: 2023-01-01. Review status: no assertion criteria provided. Criteria: ACMG Guidelines, 2015. Collection method: clinical testing. Allele origin: germline. Affected: yes. Not counted in ClinVar's aggregate classification.